The following is an entry in ClinVar:

ClinVar aggregate classification (germline): Pathogenic (1 of 4 stars; one submission).

Conditions:
Familial hemiplegic migraine. Identifiers: MedGen C0338484, MONDO:0000700.

Submission:

Labcorp Genetics (formerly Invitae), Labcorp
Classification: Pathogenic for Familial hemiplegic migraine. Last evaluated: 2024-02-19. Review status: criteria provided, single submitter. Criteria: Invitae Variant Classification Sherloc (09022015). Collection method: clinical testing. Allele origin: germline.
Comment: This sequence change creates a premature translational stop signal (p.Asp839Thrfs*4) in the ATP1A2 gene. It is expected to result in an absent or disrupted protein product. Loss-of-function variants in ATP1A2 are known to be pathogenic (PMID: 30690204). This variant is not present in population databases (gnomAD no frequency). This variant has not been reported in the literature in individuals affected with ATP1A2-related conditions. For these reasons, this variant has been classified as Pathogenic.

Literature cited by the submitters: PubMed 30690204.

NM_000702.4(ATP1A2):c.2515del (p.Asp839fs)

Gene: ATP1A2 (ATPase Na+/K+ transporting subunit alpha 2; plus strand). Cytogenetic location: 1q23.2.
Variant type: Deletion.
Coding change: c.2515del on transcript NM_000702.4 (MANE Select); coding-DNA position 2515, one base deleted (G; older notation c.2515delG).
Protein change: p.Asp839fs; shifts the reading frame from aspartic acid 839.
Molecular consequence: frameshift variant.
Genome position (GRCh38, 1-based): chr1:160,136,322, G deleted; the last of 2 consecutive G bases (chr1:160,136,321-160,136,322); deleting either gives the same sequence. VCF-style (leftmost placement, unchanged base first): chr1-160136320-CG-C. GRCh37 (hg19) VCF-style: chr1-160106110-CG-C.
Other names: short protein forms D839fs.
Identifiers: ClinVar variation 3637436 (VCV003637436.2).